The following is an entry in ClinVar:

ClinVar aggregate classification (germline): Likely benign (1 of 4 stars; one submission).

Submission:

CeGaT Center for Human Genetics Tuebingen
Classification: Likely benign. Last evaluated: 2025-10-01. Review status: criteria provided, single submitter. Criteria: CeGaT Center For Human Genetics Tuebingen Variant Classification Criteria Version 2. Collection method: clinical testing. Allele origin: germline. Affected: yes. Observed: 1 variant allele.
Comment: PRAMEF2: BS2

NM_023014.1(PRAMEF2):c.947T>A (p.Phe316Tyr)

Gene: PRAMEF2 (PRAME family member 2; plus strand). Cytogenetic location: 1p36.21.
Variant type: single nucleotide variant.
Coding change: c.947T>A on transcript NM_023014.1 (MANE Select); coding-DNA position 947, T replaced by A.
Protein change: p.Phe316Tyr; replaces phenylalanine 316 with tyrosine.
Molecular consequence: missense variant.
Genome position (GRCh38, 1-based): chr1:12,861,301, T>A. VCF-style: chr1-12861301-T-A. GRCh37 (hg19) VCF-style: chr1-12921156-T-A.
Other names: short protein forms F316Y.
Identifiers: ClinVar variation 4533532 (VCV004533532.6).